The following is an entry in ClinVar:

NM_006005.3(WFS1):c.1441C>T (p.Leu481=)

Gene: WFS1 (wolframin ER transmembrane glycoprotein; plus strand). Cytogenetic location: 4p16.1.
Variant type: single nucleotide variant.
Coding change: c.1441C>T on transcript NM_006005.3 (MANE Select); coding-DNA position 1441, C replaced by T.
Protein change: p.Leu481=; no amino-acid change (leucine 481 retained).
Molecular consequence: synonymous variant.
Genome position (GRCh38, 1-based): chr4:6,301,236, C>T. VCF-style: chr4-6301236-C-T. GRCh37 (hg19) VCF-style: chr4-6302963-C-T.
Other names: c.1441C>T, p.Leu481= (NM_001145853.1).
Identifiers: ClinVar variation 179143 (VCV000179143.14), dbSNP rs727504663, ClinGen allele CA183802.
Genomic context (GRCh38, chr4:6,301,236, plus strand): 5'-ACCGAGGTCACCGCCGGCCTGCTATCGCTGCTGCCCTCCATGCCCTTGAATTGGCCCTAC[C>T]TGAAGGTCCTTGGCCAGACCTTCATCACCGTGCCTGTCGGCCACCTGGTCGTCCTCAACG-3'
Protein context (NP_005996.2, residues 471-491): LPSMPLNWPY[Leu481=]KVLGQTFITV

ClinVar aggregate classification (germline): Benign/Likely benign. Review status: criteria provided, multiple submitters, no conflicts (2 of 4 stars). 4 submissions from 4 submitters: Benign (1); Likely benign (3). Last evaluated 2024-07-17.

Conditions:
Wolfram syndrome 1 (WFS1). Identifiers: Orphanet 3463, MedGen C4551693, MONDO:0009101, OMIM 222300.

Allele frequency attached by ClinVar (database versions not stated): gnomAD exomes 0.00001 and 0.00007; TOPMed 0.00011; gnomAD 0.00015 and 0.00016.
gnomAD v4.1: 39 of 1,611,610 alleles (0.0024%); highest among the groups gnomAD compares: Admixed American, 0.063%; no homozygotes.

Submissions (4):

Labcorp Genetics (formerly Invitae), Labcorp
Classification: Likely benign. Last evaluated: 2024-07-17. Review status: criteria provided, single submitter. Criteria: Invitae Variant Classification Sherloc (09022015). Collection method: clinical testing. Allele origin: germline.

Laboratory for Molecular Medicine, Mass General Brigham Personalized Medicine
Classification: Likely benign. Last evaluated: 2013-09-05. Review status: criteria provided, single submitter. Criteria: LMM Criteria. Collection method: clinical testing. Allele origin: germline. Observed: 2 variant alleles.
Comment: Leu481Leu in Exon 8 of WFS1: This variant is not expected to have clinical signi ficance because it does not alter an amino acid residue and is not located withi n the splice consensus sequence.

Clinical Genomics, Uppaluri K&H Personalized Medicine Clinic
Classification: Benign for Wolfram syndrome 1. Review status: criteria provided, single submitter. Criteria: K & H Uppaluri Personalized Medicine Clinic Variant Classification & Assertion Criteria_Updated V.1. Collection method: research. Allele origin: unknown. Inheritance: Autosomal recessive inheritance.
Comment: Potent mutations in WFS1 gene are associated with Wolfram's syndrome, an autosomal recessive condition, which cause diabetes mellitus, diabetes insipidus, deafness and optic atrophy. However no sufficient evidence is found to ascertain the role of this particular variant rs727504663 in Wolfram's syndrome yet.

PreventionGenetics, part of Exact Sciences
Classification: Likely benign. Review status: criteria provided, single submitter. Criteria: ACMG Guidelines, 2015. Collection method: clinical testing. Allele origin: germline.

Literature cited by the submitters: PubMed 20738327 (cited by Clinical Genomics, Uppaluri K&H Personalized Medicine Clinic); PubMed 33879153 (cited by Clinical Genomics, Uppaluri K&H Personalized Medicine Clinic); PubMed 12955714 (cited by Clinical Genomics, Uppaluri K&H Personalized Medicine Clinic); PubMed 18060660 (cited by Clinical Genomics, Uppaluri K&H Personalized Medicine Clinic); PubMed 20301750 (cited by Clinical Genomics, Uppaluri K&H Personalized Medicine Clinic); PubMed 17603484 (cited by Clinical Genomics, Uppaluri K&H Personalized Medicine Clinic).